The following is an entry in ClinVar:

NM_016194.4(GNB5):c.22G>A (p.Val8Ile)

Genes: CERNA1 (competing endogenous lncRNA 1 for miR-4707-5p and miR-4767; plus strand), GNB5 (G protein subunit beta 5; minus strand). Cytogenetic location: 15q21.2.
Variant type: single nucleotide variant.
Coding change: c.22G>A on transcript NM_016194.4 (MANE Select); coding-DNA position 22, G replaced by A.
Protein change: p.Val8Ile; replaces valine 8 with isoleucine.
Molecular consequence: missense variant.
Genome position (GRCh38, 1-based): chr15:52,184,655, C>T on the plus strand (G>A on the coding strand, the complement: GNB5 is on the minus strand). VCF-style: chr15-52184655-C-T. GRCh37 (hg19) VCF-style: chr15-52476852-C-T.
Other names: p.Val8Ile; short protein forms V8I.
Identifiers: ClinVar variation 770786 (VCV000770786.44), dbSNP rs41277710, ClinGen allele CA7565977.

ClinVar aggregate classification (germline): Benign/Likely benign. Review status: criteria provided, multiple submitters, no conflicts (2 of 4 stars). 8 submissions from 8 submitters: Benign (1); Likely benign (6). 1 of the submissions does not count toward it. Last evaluated 2026-09-01.

Conditions:
GNB5-related disorder. Also called: GNB5-related disorders; GNB5-related condition.
Inborn genetic diseases. Identifiers: MedGen C0950123, MeSH D030342.

Allele frequency attached by ClinVar (database versions not stated): 1000 Genomes Project 30x 0.00125; 1000 Genomes Project 0.00140; TOPMed 0.00279; ESP Exome Variant Server 0.00331.
gnomAD v4.1: 5,872 of 1,613,402 alleles (0.36%); highest among the groups gnomAD compares: Non-Finnish European, 0.45%; 14 homozygotes.

Submissions (8):

CeGaT Center for Human Genetics Tuebingen
Classification: Likely benign. Last evaluated: 2026-09-01. Review status: criteria provided, single submitter. Criteria: CeGaT Center For Human Genetics Tuebingen Variant Classification Criteria Version 2. Collection method: clinical testing. Allele origin: germline. Affected: yes. Observed: 11 variant alleles.
Comment: GNB5: BS2

Molecular Diagnostic Laboratory for Inherited Cardiovascular Disease, Montreal Heart Institute
Classification: Likely benign. Last evaluated: 2025-04-09. Review status: criteria provided, single submitter. Criteria: ACMG Guidelines, 2015. Collection method: clinical testing. Allele origin: germline. Affected: no.

Blueprint Genetics
Classification: Likely benign. Last evaluated: 2024-11-26. Review status: criteria provided, single submitter. Criteria: ACMG Guidelines, 2015. Collection method: clinical testing. Allele origin: germline.

Mayo Clinic Laboratories, Mayo Clinic
Classification: Benign. Last evaluated: 2024-10-17. Review status: criteria provided, single submitter. Criteria: ACMG Guidelines, 2015. Collection method: clinical testing. Allele origin: germline. Observed: 2 variant alleles.

Ambry Genetics
Classification: Likely benign for Inborn genetic diseases. Last evaluated: 2022-04-28. Review status: criteria provided, single submitter. Criteria: Ambry Variant Classification Scheme 2023. Collection method: clinical testing. Allele origin: germline.

GeneDx
Classification: Likely benign. Last evaluated: 2021-12-16. Review status: criteria provided, single submitter. Criteria: GeneDx Variant Classification Process June 2021. Collection method: clinical testing. Allele origin: germline. Affected: yes.

Labcorp Genetics (formerly Invitae), Labcorp
Classification: Likely benign. Last evaluated: 2019-12-31. Review status: criteria provided, single submitter. Criteria: Invitae Variant Classification Sherloc (09022015). Collection method: clinical testing. Allele origin: germline.

PreventionGenetics, part of Exact Sciences
Classification: Likely benign for GNB5-related condition. Last evaluated: 2022-04-06. Review status: no assertion criteria provided. Collection method: clinical testing. Allele origin: germline. Not counted in ClinVar's aggregate classification.
Comment: This variant is classified as likely benign based on ACMG/AMP sequence variant interpretation guidelines (Richards et al. 2015 PMID: 25741868, with internal and published modifications).